The following is an entry in ClinVar:

NM_005502.4(ABCA1):c.782T>G (p.Leu261Trp)

Gene: ABCA1 (ATP binding cassette subfamily A member 1; minus strand). Cytogenetic location: 9q31.1.
Variant type: single nucleotide variant.
Coding change: c.782T>G on transcript NM_005502.4 (MANE Select); coding-DNA position 782, T replaced by G.
Protein change: p.Leu261Trp; replaces leucine 261 with tryptophan.
Molecular consequence: missense variant.
Genome position (GRCh38, 1-based): chr9:104,845,508, A>C on the plus strand (T>G on the coding strand, the complement: ABCA1 is on the minus strand). VCF-style: chr9-104845508-A-C. GRCh37 (hg19) VCF-style: chr9-107607789-A-C.
Other names: short protein forms L261W.
Identifiers: ClinVar variation 3224780 (VCV003224780.1), dbSNP rs1327492909, ClinGen allele CA374330317.

ClinVar aggregate classification (germline): Uncertain significance (1 of 4 stars; one submission).

Conditions:
Cardiovascular phenotype. Identifiers: MedGen CN230736.

gnomAD v4.1: 3 of 1,614,140 alleles (0.00019%); highest among the groups gnomAD compares: Admixed American, 0.005%; no homozygotes.

Submission:

Ambry Genetics
Classification: Uncertain significance for Cardiovascular phenotype. Last evaluated: 2023-11-29. Review status: criteria provided, single submitter. Criteria: Ambry Variant Classification Scheme 2023. Collection method: clinical testing. Allele origin: germline.
Comment: The p.L261W variant (also known as c.782T>G), located in coding exon 7 of the ABCA1 gene, results from a T to G substitution at nucleotide position 782. The leucine at codon 261 is replaced by tryptophan, an amino acid with similar properties. This amino acid position is conserved. In addition, the in silico prediction for this alteration is inconclusive. Since supporting evidence is limited at this time, the clinical significance of this alteration remains unclear.